The following is an entry in ClinVar:

ClinVar aggregate classification (germline): Pathogenic. Review status: criteria provided, single submitter (1 of 4 stars). 2 submissions from 2 submitters: Pathogenic (1). 1 of the submissions does not count toward it. Last evaluated 2021-08-23.

Conditions:
Hereditary hemorrhagic telangiectasia (HHT). Also called: ORW DISEASE; Osler Weber Rendu syndrome; OSLER-RENDU-WEBER DISEASE; Osler hemorrhagic telangiectasia syndrome. Identifiers: Orphanet 774, MedGen C0039445, MONDO:0019180. Disease mechanism: loss of function.
ENG-related disorder. Also called: ENG-related condition; ENG-related disorders.

Submissions (2):

Labcorp Genetics (formerly Invitae), Labcorp
Classification: Pathogenic for Hereditary hemorrhagic telangiectasia. Last evaluated: 2021-08-23. Review status: criteria provided, single submitter. Criteria: Invitae Variant Classification Sherloc (09022015). Collection method: clinical testing. Allele origin: germline.
Comment: For these reasons, this variant has been classified as Pathogenic. Loss-of-function variants in ENG are known to be pathogenic (PMID: 15879500, 20656886, 22385575). ClinVar contains an entry for this variant (Variation ID: 642861). This variant is not present in population databases (ExAC no frequency). This sequence change creates a premature translational stop signal (p.Ser417Valfs*8) in the ENG gene. It is expected to result in an absent or disrupted protein product.

PreventionGenetics, part of Exact Sciences
Classification: Likely pathogenic for ENG-related condition. Last evaluated: 2024-06-24. Review status: no assertion criteria provided. Collection method: clinical testing. Allele origin: germline. Not counted in ClinVar's aggregate classification.
Comment: The ENG c.1247dupT variant is predicted to result in a frameshift and premature protein termination (p.Ser417Valfs*8). To our knowledge, this variant has not been reported in the literature or a large population database, indicating this variant is rare. Frameshift variants in ENG are expected to be pathogenic. This variant is interpreted as likely pathogenic.

Literature cited by the submitters: PubMed 15879500 (cited by Labcorp Genetics (formerly Invitae), Labcorp); PubMed 20656886 (cited by Labcorp Genetics (formerly Invitae), Labcorp); PubMed 22385575 (cited by Labcorp Genetics (formerly Invitae), Labcorp).

NM_001114753.3(ENG):c.1247dup (p.Ser417fs)

Genes: ENG (endoglin; minus strand), LOC102723566 (uncharacterized LOC102723566; plus strand). Cytogenetic location: 9q34.11.
Variant type: Duplication.
Coding change: c.1247dup on transcript NM_001114753.3 (MANE Select); coding-DNA position 1247, one base duplicated (T; older notation c.1247dupT).
Protein change: p.Ser417fs; shifts the reading frame from serine 417.
Molecular consequence: frameshift variant.
Genome position (GRCh38, 1-based): chr9:127,819,925, A duplicated on the plus strand (T on the coding strand, the reverse complement: ENG is on the minus strand). VCF-style (leftmost placement, unchanged base first): chr9-127819924-C-CA. GRCh37 (hg19) VCF-style: chr9-130582203-C-CA.
Other names: c.1247dupT (NM_000118.3); c.1247dup, p.Ser417Valfs (NM_000118.4); c.701dup, p.Ser235fs (NM_001278138.2); short protein forms S235fs, S417fs.
Identifiers: ClinVar variation 642861 (VCV000642861.12), dbSNP rs1588576923, ClinGen allele CA915947170.